The following is an entry in ClinVar:

NM_000059.4(BRCA2):c.1904A>G (p.Asp635Gly)

Gene: BRCA2 (BRCA2 DNA repair associated; plus strand). Cytogenetic location: 13q13.1.
Variant type: single nucleotide variant.
Coding change: c.1904A>G on transcript NM_000059.4 (MANE Select); coding-DNA position 1904, A replaced by G.
Protein change: p.Asp635Gly; replaces aspartic acid 635 with glycine.
Molecular consequence: missense variant. On other transcripts: non-coding transcript variant (1), intron variant (1).
Genome position (GRCh38, 1-based): chr13:32,333,382, A>G. VCF-style: chr13-32333382-A-G. GRCh37 (hg19) VCF-style: chr13-32907519-A-G.
Other names: c.1904A>G, p.Asp635Gly (NM_001406719.1, NM_001406720.1, NM_001406721.1 and 1 more transcripts); c.424+2352A>G (NM_001406722.1); short protein forms D635G.
Identifiers: ClinVar variation 3992756 (VCV003992756.1).

ClinVar aggregate classification (germline): Uncertain significance (1 of 4 stars; one submission).

Conditions:
Hereditary cancer-predisposing syndrome. Also called: Tumor predisposition; Hereditary neoplastic syndrome; Neoplastic Syndromes, Hereditary; Hereditary Cancer Syndrome. Identifiers: Orphanet 140162, MedGen C0027672, MeSH D009386, MONDO:0015356.

Submission:

Ambry Genetics
Classification: Uncertain significance for Hereditary cancer-predisposing syndrome. Last evaluated: 2025-04-01. Review status: criteria provided, single submitter. Criteria: Ambry Variant Classification Scheme 2023. Collection method: clinical testing. Allele origin: germline.
Comment: The p.D635G variant (also known as c.1904A>G), located in coding exon 9 of the BRCA2 gene, results from an A to G substitution at nucleotide position 1904. The aspartic acid at codon 635 is replaced by glycine, an amino acid with similar properties. This amino acid position is not well conserved in available vertebrate species. In addition, this alteration is predicted to be tolerated by in silico analysis. Based on the available evidence, the clinical significance of this variant remains unclear.